The following is an entry in ClinVar:

ClinVar aggregate classification (germline): Uncertain significance. Review status: criteria provided, multiple submitters, no conflicts (2 of 4 stars). 3 submissions from 3 submitters: Uncertain significance (3). Last evaluated 2024-04-17.

Conditions:
Cardiovascular phenotype. Identifiers: MedGen CN230736.
Hereditary cancer-predisposing syndrome. Also called: Hereditary neoplastic syndrome; Tumor predisposition; Neoplastic Syndromes, Hereditary; Hereditary Cancer Syndrome. Identifiers: Orphanet 140162, MedGen C0027672, MeSH D009386, MONDO:0015356.
Neurofibromatosis, type 1 (NF1). Also called: Peripheral type neurofibromatosis; Neurofibromatosis, type I; VON RECKLINGHAUSEN DISEASE; NEUROFIBROMATOSIS, TYPE I, SOMATIC. Identifiers: Orphanet 636, MedGen C0027831, MONDO:0018975, OMIM 162200. Disease mechanism: loss of function.

Submissions (3):

Labcorp Genetics (formerly Invitae), Labcorp
Classification: Uncertain significance for Neurofibromatosis, type 1. Last evaluated: 2024-04-17. Review status: criteria provided, single submitter. Criteria: Invitae Variant Classification Sherloc (09022015). Collection method: clinical testing. Allele origin: germline.
Comment: This sequence change replaces tyrosine, which is neutral and polar, with cysteine, which is neutral and slightly polar, at codon 1671 of the NF1 protein (p.Tyr1671Cys). This variant is not present in population databases (gnomAD no frequency). This variant has not been reported in the literature in individuals affected with NF1-related conditions. ClinVar contains an entry for this variant (Variation ID: 2446319). Advanced modeling of protein sequence and biophysical properties (such as structural, functional, and spatial information, amino acid conservation, physicochemical variation, residue mobility, and thermodynamic stability) has been performed at Invitae for this missense variant, however the output from this modeling did not meet the statistical confidence thresholds required to predict the impact of this variant on NF1 protein function. In summary, the available evidence is currently insufficient to determine the role of this variant in disease. Therefore, it has been classified as a Variant of Uncertain Significance.

Ambry Genetics
Classification: Uncertain significance for Cardiovascular phenotype; Hereditary cancer-predisposing syndrome. Last evaluated: 2024-01-14. Review status: criteria provided, single submitter. Criteria: Ambry Variant Classification Scheme 2023. Collection method: clinical testing. Allele origin: germline.
Comment: The p.Y1671C variant (also known as c.5012A>G), located in coding exon 36 of the NF1 gene, results from an A to G substitution at nucleotide position 5012. The tyrosine at codon 1671 is replaced by cysteine, an amino acid with highly dissimilar properties. This amino acid position is conserved. In addition, this alteration is predicted to be deleterious by in silico analysis. Since supporting evidence is limited at this time, the clinical significance of this alteration remains unclear.

GeneDx
Classification: Uncertain significance. Last evaluated: 2022-09-26. Review status: criteria provided, single submitter. Criteria: GeneDx Variant Classification Process June 2021. Collection method: clinical testing. Allele origin: germline. Affected: yes.
Comment: Not observed at significant frequency in large population cohorts (gnomAD); In silico analysis supports that this missense variant has a deleterious effect on protein structure/function; Has not been previously published as pathogenic or benign to our knowledge

NM_001042492.3(NF1):c.5075A>G (p.Tyr1692Cys)

Gene: NF1 (neurofibromin 1; plus strand). Cytogenetic location: 17q11.2.
Variant type: single nucleotide variant.
Coding change: c.5075A>G on transcript NM_001042492.3 (MANE Select); coding-DNA position 5075, A replaced by G.
Protein change: p.Tyr1692Cys; replaces tyrosine 1692 with cysteine.
Molecular consequence: missense variant.
Genome position (GRCh38, 1-based): chr17:31,326,059, A>G. VCF-style: chr17-31326059-A-G. GRCh37 (hg19) VCF-style: chr17-29653077-A-G.
Other names: c.5012A>G, p.Tyr1671Cys (NM_000267.4); short protein forms Y1671C, Y1692C.
Identifiers: ClinVar variation 2446319 (VCV002446319.4), dbSNP rs2151538377, ClinGen allele CA399007460.
Genomic context (GRCh38, chr17:31,326,059, plus strand): 5'-ACAACGTCTCCGCAGTCTATATCTATAACTGTAACTCCTGGGTCAGGGAGTACACCAAGT[A>G]TCATGAGCGGCTGCTGACTGGCCTCAAAGGTAGCAAAAGGCTTGTTTTCATAGACTGTCC-3'
Protein context (NP_001035957.1, residues 1682-1702): CNSWVREYTK[Tyr1692Cys]HERLLTGLKG